The following is an entry in ClinVar:

ClinVar aggregate classification (germline): Uncertain significance (1 of 4 stars; one submission).

Conditions:
Hereditary cancer-predisposing syndrome. Also called: Neoplastic Syndromes, Hereditary; Tumor predisposition; Hereditary Cancer Syndrome; Hereditary neoplastic syndrome. Identifiers: Orphanet 140162, MedGen C0027672, MeSH D009386, MONDO:0015356.

Submission:

Ambry Genetics
Classification: Uncertain significance for Hereditary cancer-predisposing syndrome. Last evaluated: 2021-12-22. Review status: criteria provided, single submitter. Criteria: Ambry Variant Classification Scheme 2023. Collection method: clinical testing. Allele origin: germline.
Comment: The p.H2247Q variant (also known as c.6741C>A), located in coding exon 48 of the POLE gene, results from a C to A substitution at nucleotide position 6741. The histidine at codon 2247 is replaced by glutamine, an amino acid with highly similar properties. This amino acid position is conserved. In addition, this alteration is predicted to be tolerated by in silico analysis. Since supporting evidence is limited at this time, the clinical significance of this alteration remains unclear.

NM_006231.4(POLE):c.6741C>A (p.His2247Gln)

Gene: POLE (DNA polymerase epsilon, catalytic subunit; minus strand). Cytogenetic location: 12q24.33.
Variant type: single nucleotide variant.
Coding change: c.6741C>A on transcript NM_006231.4 (MANE Select); coding-DNA position 6741, C replaced by A.
Protein change: p.His2247Gln; replaces histidine 2247 with glutamine.
Molecular consequence: missense variant.
Genome position (GRCh38, 1-based): chr12:132,624,911, G>T on the plus strand (C>A on the coding strand, the complement: POLE is on the minus strand). VCF-style: chr12-132624911-G-T. GRCh37 (hg19) VCF-style: chr12-133201497-G-T.
Other names: short protein forms H2247Q.
Identifiers: ClinVar variation 1755192 (VCV001755192.2), dbSNP rs1414304090, ClinGen allele CA387365997.